The following is an entry in ClinVar:

NM_018344.6(SLC29A3):c.925G>C (p.Gly309Arg)

Gene: SLC29A3 (solute carrier family 29 member 3; plus strand). Cytogenetic location: 10q22.1.
Variant type: single nucleotide variant.
Coding change: c.925G>C on transcript NM_018344.6 (MANE Select); coding-DNA position 925, G replaced by C.
Protein change: p.Gly309Arg; replaces glycine 309 with arginine.
Molecular consequence: missense variant. On other transcripts: 3 prime UTR variant (1), non-coding transcript variant (2).
Genome position (GRCh38, 1-based): chr10:71,362,105, G>C. VCF-style: chr10-71362105-G-C. GRCh37 (hg19) VCF-style: chr10-73121862-G-C.
Other names: c.*154G>C (NM_001174098.2); c.691G>C, p.Gly231Arg (NM_001363518.2); c.925G>C (NM_018344.5); short protein forms G231R, G309R.
Identifiers: ClinVar variation 2047174 (VCV002047174.4), dbSNP rs574949543, ClinGen allele CA5543088.

ClinVar aggregate classification (germline): Uncertain significance. Review status: criteria provided, multiple submitters, no conflicts (2 of 4 stars). 3 submissions from 3 submitters: Uncertain significance (3). Last evaluated 2022-08-31.

Conditions:
Inborn genetic diseases. Identifiers: MedGen C0950123, MeSH D030342.
H syndrome. Also called: Histiocytosis with joint contractures and sensorineural deafness; Asrar Facharzt Haque syndrome; HISTIOCYTOSIS AND LYMPHADENOPATHY WITH OR WITHOUT CUTANEOUS, CARDIAC, AND/OR ENDOCRINE FEATURES, JOINT CONTRACTURES, AND/OR DEAFNESS; HYPERPIGMENTATION, CUTANEOUS, WITH HYPERTRICHOSIS, HEPATOSPLENOMEGALY, HEART ANOMALIES, AND HYPOGONADISM WITH OR WITHOUT HEARING LOSS; PIGMENTED HYPERTRICHOSIS WITH INSULIN-DEPENDENT DIABETES MELLITUS; ROSAI-DORFMAN DISEASE, FAMILIAL. Identifiers: Orphanet 168569, MedGen C1864445, MONDO:0011273, OMIM 602782.

Allele frequency attached by ClinVar (database versions not stated): TOPMed 0.00002; gnomAD 0.00003; gnomAD exomes 0.00004; ExAC 0.00015; 1000 Genomes Project 30x 0.00016; 1000 Genomes Project 0.00020.
gnomAD v4.1: 67 of 1,614,072 alleles (0.0042%); highest among the groups gnomAD compares: South Asian, 0.067%; no homozygotes.

Submissions (3):

Blueprint Genetics
Classification: Uncertain significance. Last evaluated: 2022-08-31. Review status: criteria provided, single submitter. Criteria: ACMG Guidelines, 2015. Collection method: clinical testing. Allele origin: germline.

Ambry Genetics
Classification: Uncertain significance for Inborn genetic diseases. Last evaluated: 2022-06-24. Review status: criteria provided, single submitter. Criteria: Ambry Variant Classification Scheme 2023. Collection method: clinical testing. Allele origin: germline.

Labcorp Genetics (formerly Invitae), Labcorp
Classification: Uncertain significance for H syndrome. Last evaluated: 2022-05-10. Review status: criteria provided, single submitter. Criteria: Invitae Variant Classification Sherloc (09022015). Collection method: clinical testing. Allele origin: germline.
Comment: This sequence change replaces glycine, which is neutral and non-polar, with arginine, which is basic and polar, at codon 309 of the SLC29A3 protein (p.Gly309Arg). This variant is present in population databases (rs574949543, gnomAD 0.1%). This variant has not been reported in the literature in individuals affected with SLC29A3-related conditions. Algorithms developed to predict the effect of missense changes on protein structure and function are either unavailable or do not agree on the potential impact of this missense change (SIFT: "Tolerated"; PolyPhen-2: "Probably Damaging"; Align-GVGD: "Class C0"). In summary, the available evidence is currently insufficient to determine the role of this variant in disease. Therefore, it has been classified as a Variant of Uncertain Significance.